The following is an entry in ClinVar:

NM_000455.5(STK11):c.*8C>T

Gene: STK11 (serine/threonine kinase 11; plus strand). Cytogenetic location: 19p13.3.
Variant type: single nucleotide variant.
Coding change: c.*8C>T on transcript NM_000455.5 (MANE Select); 8 bases downstream of the stop codon, C replaced by T.
Molecular consequence: 3 prime UTR variant.
Genome position (GRCh38, 1-based): chr19:1,226,655, C>T. VCF-style: chr19-1226655-C-T. GRCh37 (hg19) VCF-style: chr19-1226654-C-T.
Identifiers: ClinVar variation 139340 (VCV000139340.56), dbSNP rs587782259, ClinGen allele CA023337.

ClinVar aggregate classification (germline): Conflicting classifications of pathogenicity. Review status: criteria provided, conflicting classifications (1 of 4 stars). 20 submissions from 20 submitters: Uncertain significance (3); Benign (2); Likely benign (10). 5 of the submissions do not count toward it. Last evaluated 2026-01-01.

Conditions:
Breast and/or ovarian cancer. Identifiers: MedGen CN221562.
Hereditary cancer-predisposing syndrome. Also called: Tumor predisposition; Hereditary neoplastic syndrome; Hereditary Cancer Syndrome; Neoplastic Syndromes, Hereditary. Identifiers: Orphanet 140162, MedGen C0027672, MeSH D009386, MONDO:0015356.
Peutz-Jeghers syndrome (PJS). Also called: Peutz-Jeghers polyposis; Periorificial lentiginosis syndrome; POLYPOSIS, HAMARTOMATOUS INTESTINAL; POLYPS-AND-SPOTS SYNDROME. Identifiers: Orphanet 2869, MedGen C0031269, MeSH D010580, MONDO:0008280, OMIM 175200.
Malignant tumor of breast. Also called: Cancer breast; Malignant breast neoplasm. Identifiers: MedGen C0006142, MONDO:0007254. Disease mechanism: loss of function.

Allele frequency attached by ClinVar (database versions not stated): ExAC 0.00011; gnomAD 0.00025 and 0.00027; gnomAD exomes 0.00028 and 0.00030; TOPMed 0.00032.
gnomAD v4.1: 419 of 1,513,214 alleles (0.028%); highest among the groups gnomAD compares: Admixed American, 0.047%; no homozygotes.

Submissions (20):

CeGaT Center for Human Genetics Tuebingen
Classification: Likely benign. Last evaluated: 2026-01-01. Review status: criteria provided, single submitter. Criteria: CeGaT Center For Human Genetics Tuebingen Variant Classification Criteria Version 2. Collection method: clinical testing. Allele origin: germline. Affected: yes. Observed: 2 variant alleles.
Comment: STK11: BP4, BP7

Myriad Genetics, Inc.
Classification: Benign for Peutz-Jeghers syndrome. Last evaluated: 2025-03-31. Review status: criteria provided, single submitter. Criteria: Myriad Autosomal Dominant, Autosomal Recessive and X-Linked Classification Criteria (2023). Collection method: clinical testing. Allele origin: unknown.
Comment: This variant is considered benign. This variant occurs in the non-coding 3' untranslated region of the gene, and is not expected to impact protein function.

Center for Genomic Medicine, Rigshospitalet, Copenhagen University Hospital
Classification: Likely benign. Last evaluated: 2025-03-04. Review status: criteria provided, single submitter. Criteria: ACMG Guidelines, 2015. Collection method: clinical testing. Allele origin: germline.

Quest Diagnostics Nichols Institute San Juan Capistrano
Classification: Likely benign. Last evaluated: 2024-12-09. Review status: criteria provided, single submitter. Criteria: Quest Diagnostics criteria. Collection method: clinical testing. Allele origin: unknown.

Blueprint Genetics
Classification: Likely benign. Last evaluated: 2024-11-26. Review status: criteria provided, single submitter. Criteria: ACMG Guidelines, 2015. Collection method: clinical testing. Allele origin: germline.

Institute for Biomarker Research, Medical Diagnostic Laboratories, L.L.C.
Classification: Likely benign for Hereditary cancer-predisposing syndrome. Last evaluated: 2024-07-16. Review status: criteria provided, single submitter. Criteria: ACMG Guidelines, 2015. Collection method: clinical testing. Allele origin: germline.

CHEO Genetics Diagnostic Laboratory, Children's Hospital of Eastern Ontario
Classification: Uncertain significance for Breast and/or ovarian cancer. Last evaluated: 2022-09-12. Review status: criteria provided, single submitter. Criteria: ACMG Guidelines, 2015. Collection method: clinical testing. Allele origin: germline.

Genetic Services Laboratory, University of Chicago
Classification: Uncertain significance. Last evaluated: 2022-01-10. Review status: criteria provided, single submitter. Criteria: ACMG Guidelines, 2015. Collection method: clinical testing. Allele origin: germline. Affected: no.

Genome-Nilou Lab
Classification: Likely benign for Peutz-Jeghers syndrome. Last evaluated: 2021-07-15. Review status: criteria provided, single submitter. Criteria: ACMG Guidelines, 2015. Collection method: clinical testing. Allele origin: germline. Affected: no.

Mendelics
Classification: Likely benign for Peutz-Jeghers syndrome. Last evaluated: 2019-05-28. Review status: criteria provided, single submitter. Criteria: Mendelics Assertion Criteria 2017. Collection method: clinical testing. Allele origin: unknown.

Illumina Laboratory Services, Illumina
Classification: Likely benign for Peutz-Jeghers syndrome. Last evaluated: 2017-04-27. Review status: criteria provided, single submitter. Criteria: ICSL Variant Classification Criteria 13 December 2019. Collection method: clinical testing. Allele origin: germline.
Comment: This variant was observed as part of a predisposition screen in an ostensibly healthy population. A literature search was performed for the gene, cDNA change, and amino acid change (where applicable). No publications were found based on this search. Allele frequency data from public databases allowed determination this variant is unlikely to cause disease. Therefore, this variant is classified as likely benign.

PreventionGenetics, part of Exact Sciences
Classification: Likely benign. Last evaluated: 2017-01-30. Review status: criteria provided, single submitter. Criteria: ACMG Guidelines, 2015. Collection method: clinical testing. Allele origin: germline.

Color Diagnostics, LLC DBA Color Health
Classification: Likely benign for Hereditary cancer-predisposing syndrome. Last evaluated: 2015-04-06. Review status: criteria provided, single submitter. Criteria: ACMG Guidelines, 2015. Collection method: clinical testing. Allele origin: germline.

Ambry Genetics
Classification: Uncertain significance for Hereditary cancer-predisposing syndrome. Last evaluated: 2014-09-16. Review status: criteria provided, single submitter. Criteria: Ambry Variant Classification Scheme 2023. Collection method: clinical testing. Allele origin: germline.
Comment: The c.*8C>T variant is located in the 3' untranslated region (3 UTR) of the STK11 gene. This variant results from a C to T substitution the last translated codon. This variant was not reported in population based cohorts in the following databases: Database of Single Nucleotide Polymorphisms (dbSNP), NHLBI Exome Sequencing Project (ESP), and 1000 Genomes Project. In the ESP, this variant was not observed in 4744 samples (9488 alleles) with coverage at this position. To date, this alteration has been detected with an allele frequency of approximately 0.01% (greater than 46000 alleles tested) in our clinical cohort. This nucleotide position is not well conserved in available vertebrate species, and thymine is the reference nucleotide in several species. Since supporting evidence is limited at this time, the clinical significance of c.*8C>T remains unclear.

GeneDx
Classification: Benign. Last evaluated: 2014-05-01. Review status: criteria provided, single submitter. Criteria: GeneDx Variant Classification (06012015). Collection method: clinical testing. Allele origin: germline. Affected: yes.
Comment: This variant is considered likely benign or benign based on one or more of the following criteria: it is a conservative change, it occurs at a poorly conserved position in the protein, it is predicted to be benign by multiple in silico algorithms, and/or has population frequency not consistent with disease.

Clinical Genetics DNA and cytogenetics Diagnostics Lab, Erasmus MC, Erasmus Medical Center
Classification: Likely benign. Review status: no assertion criteria provided. Collection method: clinical testing. Allele origin: germline. Affected: yes. Study: VKGL Data-share Consensus. Not counted in ClinVar's aggregate classification.

Department of Pathology and Laboratory Medicine, Sinai Health System
Classification: Likely benign for Malignant tumor of breast. Review status: no assertion criteria provided. Collection method: clinical testing. Allele origin: unknown. Affected: yes. Observed: 2 variant alleles. Study: The Canadian Open Genetics Repository (COGR). Not counted in ClinVar's aggregate classification.
Comment: The STK11 c.*8C>T variant was not identified in the literature nor was it identified in the Cosmic, MutDB, LOVD 3.0, Zhejiang Colon Cancer Database, Insight Hereditary Tumors Database, databases. The variant was identified in dbSBP (ID: rs587782259) â€šÃ„ÃºWith Uncertain significanceâ€šÃ„Ã¹ allele, ClinVar (classified with conflicting interpretations of pathogenicity; classified benign by GeneDx, likely benign by Illumina and uncertain significance by Ambry Genetics), Clinvitae (3x), and in control databases in 42 of 138760 chromosomes at a frequency of 0.0003 increasing the likelihood that this may be a low frequency benign variant in certain populations of origin (Genome Aggregation Consortium Feb 27, 2017), identified in the following populations: African in 1 of 13784 chromosomes (frequency: 0.00007), Other in 2 of 3874 chromosomes (frequency: 0.0005), Latino in 11 of 18642 chromosomes (frequency: 0.0006), European (Non-Finnish) in 26 of 55232 chromosomes (frequency: 0.0005), and Ashkenazi Jewish in 2 of 6458 chromosomes (frequency: 0.0003). The variant occurs 8 nucleotides downstream of the final codon, outside of the splicing consensus sequence, and in silico or computational prediction software programs (SpliceSiteFinder, MaxEntScan, NNSPLICE, GeneSplicer, HumanSpliceFinder) do not predict a difference in splicing. In summary, based on the above information the clinical significance of this variant cannot be determined with certainty at this time although we would lean towards a more benign role for this variant. This variant is classified as likely benign.

Diagnostic Laboratory, Department of Genetics, University Medical Center Groningen
Classification: Likely benign. Review status: no assertion criteria provided. Collection method: clinical testing. Allele origin: germline. Affected: yes. Study: VKGL Data-share Consensus. Not counted in ClinVar's aggregate classification.

Joint Genome Diagnostic Labs from Nijmegen and Maastricht, Radboudumc and MUMC+
Classification: Likely benign. Review status: no assertion criteria provided. Collection method: clinical testing. Allele origin: germline. Affected: yes. Study: VKGL Data-share Consensus. Not counted in ClinVar's aggregate classification.

Mayo Clinic Laboratories, Mayo Clinic
Classification: Uncertain significance. Review status: no assertion criteria provided. Collection method: clinical testing. Allele origin: unknown. Not counted in ClinVar's aggregate classification.